The following is an entry in ClinVar:

NM_139076.3(ABRAXAS1):c.40G>A (p.Val14Met)

Genes: ABRAXAS1 (abraxas 1, BRCA1 A complex subunit; minus strand), LOC129992784 (ATAC-STARR-seq lymphoblastoid silent region 15542; plus strand). Cytogenetic location: 4q21.23.
Variant type: single nucleotide variant.
Coding change: c.40G>A on transcript NM_139076.3 (MANE Select); coding-DNA position 40, G replaced by A.
Protein change: p.Val14Met; replaces valine 14 with methionine.
Molecular consequence: missense variant. On other transcripts: 5 prime UTR variant (1).
Genome position (GRCh38, 1-based): chr4:83,485,033, C>T on the plus strand (G>A on the coding strand, the complement: ABRAXAS1 is on the minus strand). VCF-style: chr4-83485033-C-T. GRCh37 (hg19) VCF-style: chr4-84406186-C-T.
Other names: c.-221G>A (NM_001345962.2); short protein forms V14M.
Identifiers: ClinVar variation 3799134 (VCV003799134.1).

ClinVar aggregate classification (germline): Uncertain significance (1 of 4 stars; one submission).

Submission:

Ambry Genetics
Classification: Uncertain significance. Last evaluated: 2025-02-08. Review status: criteria provided, single submitter. Criteria: Ambry Variant Classification Scheme 2023. Collection method: clinical testing. Allele origin: germline.
Comment: The p.V14M variant (also known as c.40G>A), located in coding exon 1 of the FAM175A gene, results from a G to A substitution at nucleotide position 40. The valine at codon 14 is replaced by methionine, an amino acid with highly similar properties. This amino acid position is conserved. In addition, the in silico prediction for this alteration is inconclusive. Based on the available evidence, the clinical significance of this variant remains unclear.